The following is an entry in ClinVar:

ClinVar aggregate classification (germline): Benign. Review status: criteria provided, single submitter (1 of 4 stars). 2 submissions from 2 submitters: Benign (1). 1 of the submissions does not count toward it. Last evaluated 2025-12-17.

Conditions:
TMEM132E-related disorder. Also called: TMEM132E-related condition.

Allele frequency attached by ClinVar (database versions not stated): gnomAD exomes 0.00007 and 0.00017; 1000 Genomes Project 30x 0.00016; 1000 Genomes Project 0.00020; ExAC 0.00022; ESP Exome Variant Server 0.00069; gnomAD 0.00080 and 0.00083; TOPMed 0.00101.
gnomAD v4.1: 230 of 1,604,342 alleles (0.014%); highest among the groups gnomAD compares: African/African-American, 0.28%; no homozygotes.

Submissions (2):

Labcorp Genetics (formerly Invitae), Labcorp
Classification: Benign. Last evaluated: 2025-12-17. Review status: criteria provided, single submitter. Criteria: Invitae Variant Classification Sherloc (09022015). Collection method: clinical testing. Allele origin: germline.

PreventionGenetics, part of Exact Sciences
Classification: Likely benign for TMEM132E-related condition. Last evaluated: 2019-06-11. Review status: no assertion criteria provided. Collection method: clinical testing. Allele origin: germline. Not counted in ClinVar's aggregate classification.
Comment: This variant is classified as likely benign based on ACMG/AMP sequence variant interpretation guidelines (Richards et al. 2015 PMID: 25741868, with internal and published modifications).

NM_001304438.2(TMEM132E):c.2617C>T (p.Leu873=)

Gene: TMEM132E (transmembrane protein 132E; plus strand). Cytogenetic location: 17q12.
Variant type: single nucleotide variant.
Coding change: c.2617C>T on transcript NM_001304438.2 (MANE Select); coding-DNA position 2617, C replaced by T.
Protein change: p.Leu873=; no amino-acid change (leucine 873 retained).
Molecular consequence: synonymous variant.
Genome position (GRCh38, 1-based): chr17:34,637,624, C>T. VCF-style: chr17-34637624-C-T. GRCh37 (hg19) VCF-style: chr17-32964643-C-T.
Other names: c.2617C>T (NM_001304438.1).
Identifiers: ClinVar variation 1531603 (VCV001531603.10), dbSNP rs143357098, ClinGen allele CA8497007.